The following is an entry in ClinVar:

NM_001387430.1(SH2B1):c.715G>T (p.Ala239Ser)

Gene: SH2B1 (SH2B adaptor protein 1; plus strand). Cytogenetic location: 16p11.2.
Variant type: single nucleotide variant.
Coding change: c.715G>T on transcript NM_001387430.1 (MANE Select); coding-DNA position 715, G replaced by T.
Protein change: p.Ala239Ser; replaces alanine 239 with serine.
Molecular consequence: missense variant. On other transcripts: intron variant (1).
Genome position (GRCh38, 1-based): chr16:28,866,809, G>T. VCF-style: chr16-28866809-G-T. GRCh37 (hg19) VCF-style: chr16-28878130-G-T.
Other names: c.715G>T, p.Ala239Ser (NM_001387404.1, NM_015503.3, NM_001145795.2 and 4 more transcripts); c.-26-565G>T (NM_001308294.2); short protein forms A239S.
Identifiers: ClinVar variation 2628914 (VCV002628914.2), dbSNP rs769421511, ClinGen allele CA395424138.

ClinVar aggregate classification (germline): Uncertain significance (1 of 4 stars; one submission).

Conditions:
SH2B1-related disorder. Also called: SH2B1-related condition.

gnomAD v4.1: 5 of 1,583,956 alleles (0.00032%); highest among the groups gnomAD compares: Admixed American, 0.0053%; no homozygotes.

Submission:

PreventionGenetics, part of Exact Sciences
Classification: Uncertain significance for SH2B1-related condition. Last evaluated: 2025-09-08. Review status: criteria provided, single submitter. Criteria: ACMG Guidelines, 2015. Collection method: clinical testing. Allele origin: germline.
Comment: The SH2B1 c.715G>T variant is predicted to result in the amino acid substitution p.Ala239Ser. To our knowledge, this variant has not been reported in the literature. This variant is reported in 0.0066% of alleles in individuals of Latino descent in gnomAD. At this time, the clinical significance of this variant is uncertain due to the absence of conclusive functional and genetic evidence.